The following is an entry in ClinVar:

NM_001849.4(COL6A2):c.115+6A>G

Gene: COL6A2 (collagen type VI alpha 2 chain; plus strand). Cytogenetic location: 21q22.3.
Variant type: single nucleotide variant.
Coding change: c.115+6A>G on transcript NM_001849.4 (MANE Select); 6 bases into the intron after coding-DNA position 115, A replaced by G.
Molecular consequence: intron variant.
Genome position (GRCh38, 1-based): chr21:46,111,597, A>G. VCF-style: chr21-46111597-A-G. GRCh37 (hg19) VCF-style: chr21-47531511-A-G.
Other names: c.115+6A>G (NM_058175.3, NM_058174.3).
Identifiers: ClinVar variation 284478 (VCV000284478.8), dbSNP rs886042882, ClinGen allele CA10071181.

ClinVar aggregate classification (germline): Uncertain significance. Review status: criteria provided, multiple submitters, no conflicts (2 of 4 stars). 2 submissions from 2 submitters: Uncertain significance (2). Last evaluated 2023-01-18.

Conditions:
Bethlem myopathy 1A. Also called: Bethlem myopathy 1; MYOPATHY, BENIGN CONGENITAL, WITH CONTRACTURES; Bethlem Muscular Dystrophy. Identifiers: Orphanet 610, MedGen CN029274, MONDO:0024530, OMIM 158810.

Allele frequency attached by ClinVar (database versions not stated): ExAC 0.00004.

Submissions (2):

Labcorp Genetics (formerly Invitae), Labcorp
Classification: Uncertain significance for Bethlem myopathy 1A. Last evaluated: 2023-01-18. Review status: criteria provided, single submitter. Criteria: Invitae Variant Classification Sherloc (09022015). Collection method: clinical testing. Allele origin: germline.
Comment: This variant has not been reported in the literature in individuals affected with COL6A2-related conditions. In summary, the available evidence is currently insufficient to determine the role of this variant in disease. Therefore, it has been classified as a Variant of Uncertain Significance. Variants that disrupt the consensus splice site are a relatively common cause of aberrant splicing (PMID: 17576681, 9536098). Algorithms developed to predict the effect of sequence changes on RNA splicing suggest that this variant is not likely to affect RNA splicing. ClinVar contains an entry for this variant (Variation ID: 284478). This variant is not present in population databases (gnomAD no frequency). This sequence change falls in intron 2 of the COL6A2 gene. It does not directly change the encoded amino acid sequence of the COL6A2 protein. It affects a nucleotide within the consensus splice site.

Eurofins Ntd Llc (ga)
Classification: Uncertain significance. Last evaluated: 2016-03-24. Review status: criteria provided, single submitter. Criteria: EGL Classification Definitions 2015. Collection method: clinical testing. Allele origin: germline. Observed: 1 variant allele.

Literature cited by the submitters: PubMed 17576681 (cited by Labcorp Genetics (formerly Invitae), Labcorp); PubMed 9536098 (cited by Labcorp Genetics (formerly Invitae), Labcorp).